The following is an entry in ClinVar:

ClinVar aggregate classification (germline): Uncertain significance (1 of 4 stars; one submission).

Submission:

CeGaT Center for Human Genetics Tuebingen
Classification: Uncertain significance. Last evaluated: 2026-07-01. Review status: criteria provided, single submitter. Criteria: CeGaT Center For Human Genetics Tuebingen Variant Classification Criteria Version 2. Collection method: clinical testing. Allele origin: germline. Affected: yes. Observed: 1 variant allele.
Comment: LAGE3: PM2

NM_006014.5(LAGE3):c.130G>A (p.Gly44Ser)

Genes: LAGE3 (L antigen family member 3; minus strand), LOC130068876 (ATAC-STARR-seq lymphoblastoid silent region 21109; plus strand). Cytogenetic location: Xq28.
Variant type: single nucleotide variant.
Coding change: c.130G>A on transcript NM_006014.5 (MANE Select); coding-DNA position 130, G replaced by A.
Protein change: p.Gly44Ser; replaces glycine 44 with serine.
Molecular consequence: missense variant.
Genome position (GRCh38, 1-based): chrX:154,478,786, C>T on the plus strand (G>A on the coding strand, the complement: LAGE3 is on the minus strand). VCF-style: chrX-154478786-C-T. GRCh37 (hg19) VCF-style: chrX-153707125-C-T.
Other names: short protein forms G44S.
Identifiers: ClinVar variation 5039401 (VCV005039401.1).